The following is an entry in ClinVar:

NM_000051.4(ATM):c.6248G>C (p.Gly2083Ala)

Genes: ATM (ATM serine/threonine kinase; plus strand), C11orf65 (chromosome 11 open reading frame 65; minus strand). Cytogenetic location: 11q22.3.
Variant type: single nucleotide variant.
Coding change: c.6248G>C on transcript NM_000051.4 (MANE Select); coding-DNA position 6248, G replaced by C.
Protein change: p.Gly2083Ala; replaces glycine 2083 with alanine.
Molecular consequence: missense variant. On other transcripts: intron variant (2).
Genome position (GRCh38, 1-based): chr11:108,317,422, G>C. VCF-style: chr11-108317422-G-C. GRCh37 (hg19) VCF-style: chr11-108188149-G-C.
Other names: c.6248G>C, p.Gly2083Ala (NM_001351834.2); c.641-8351C>G (NM_001330368.2); c.*39-8351C>G (NM_001351110.2); short protein forms G2083A.
Identifiers: ClinVar variation 826265 (VCV000826265.15), dbSNP rs1060501559, ClinGen allele CA382551818.

ClinVar aggregate classification (germline): Uncertain significance. Review status: criteria provided, multiple submitters, no conflicts (2 of 4 stars). 6 submissions from 6 submitters: Uncertain significance (6). Last evaluated 2026-05-05.

Conditions:
ATM-related disorder. Also called: ATM-related disorders; ATM-related condition.
Hereditary cancer-predisposing syndrome. Also called: Tumor predisposition; Neoplastic Syndromes, Hereditary; Hereditary Cancer Syndrome; Hereditary neoplastic syndrome. Identifiers: Orphanet 140162, MedGen C0027672, MeSH D009386, MONDO:0015356.
Ataxia-telangiectasia syndrome (AT). Also called: ATAXIA-TELANGIECTASIA, COMPLEMENTATION GROUP A; ATAXIA-TELANGIECTASIA, FRESNO VARIANT; Ataxia-telangiectasia; Ataxia-telangiectasia, complementation group D; AT, COMPLEMENTATION GROUP C; Ataxia-telangiectasia, complementation group E. Identifiers: Orphanet 100, MedGen C0004135, MONDO:0008840, OMIM 208900.

gnomAD v4.1: 4 of 1,612,182 alleles (0.00025%); highest among the groups gnomAD compares: Non-Finnish European, 0.00025%; no homozygotes.

Submissions (6):

PreventionGenetics, part of Exact Sciences
Classification: Uncertain significance for ATM-related condition. Last evaluated: 2026-05-05. Review status: criteria provided, single submitter. Criteria: ACMG Guidelines, 2015. Collection method: clinical testing. Allele origin: germline.
Comment: The ATM c.6248G>C variant is predicted to result in the amino acid substitution p.Gly2083Ala. This variant has been reported in the literature in individuals with breast cancer (Breast Cancer Association Consortium et al. 2021. PubMed ID: 33471991; Table S5, Decker et al. 2017. PubMed ID: 28779002). This variant is absent in a large population database (gnomAD), indicating this variant is rare. This variant is interpreted as uncertain in ClinVar (Variation ID: 826265). At this time, the clinical significance of this variant is uncertain due to the absence of conclusive functional and genetic evidence.

Ambry Genetics
Classification: Uncertain significance for Hereditary cancer-predisposing syndrome. Last evaluated: 2024-06-28. Review status: criteria provided, single submitter. Criteria: Ambry Variant Classification Scheme 2023. Collection method: clinical testing. Allele origin: germline.
Comment: The p.G2083A variant (also known as c.6248G>C), located in coding exon 42 of the ATM gene, results from a G to C substitution at nucleotide position 6248. The glycine at codon 2083 is replaced by alanine, an amino acid with similar properties. This variant has been reported in at least one breast cancer patient in a study of 13,087 breast cancer cases and 5,488 control individuals in the UK (Decker B et al. J Med Genet, 2017 11;54:732-741). This variant was also reported in 1/60,466 breast cancer cases and in 0/53,461 controls (Dorling et al. N Engl J Med 2021 02;384:428-439). This amino acid position is highly conserved in available vertebrate species. In addition, this alteration is predicted to be tolerated by in silico analysis. Based on the available evidence, the clinical significance of this variant remains unclear.

Labcorp Genetics (formerly Invitae), Labcorp
Classification: Uncertain significance for Ataxia-telangiectasia syndrome. Last evaluated: 2024-02-07. Review status: criteria provided, single submitter. Criteria: Invitae Variant Classification Sherloc (09022015). Collection method: clinical testing. Allele origin: germline.
Comment: This sequence change replaces glycine, which is neutral and non-polar, with alanine, which is neutral and non-polar, at codon 2083 of the ATM protein (p.Gly2083Ala). This variant is not present in population databases (gnomAD no frequency). This missense change has been observed in individual(s) with breast cancer (PMID: 28779002). ClinVar contains an entry for this variant (Variation ID: 826265). An algorithm developed to predict the effect of missense changes on protein structure and function (PolyPhen-2) suggests that this variant is likely to be tolerated. RNA analysis performed to evaluate the impact of this missense change on mRNA splicing indicates it does not significantly alter splicing (Invitae). In summary, the available evidence is currently insufficient to determine the role of this variant in disease. Therefore, it has been classified as a Variant of Uncertain Significance.

GeneDx
Classification: Uncertain significance. Last evaluated: 2024-02-05. Review status: criteria provided, single submitter. Criteria: GeneDx Variant Classification Process June 2021. Collection method: clinical testing. Allele origin: germline. Affected: yes.
Comment: Not observed at significant frequency in large population cohorts (gnomAD); In silico analysis supports that this missense variant has a deleterious effect on protein structure/function; In silico analysis is inconclusive as to whether the variant alters gene splicing. In the absence of RNA/functional studies, the actual effect of this sequence change is unknown.; Observed in individual(s) with breast cancer (PMID: 28779002); This variant is associated with the following publications: (PMID: 24686850, 23532176, 28779002, 33471991)

Sema4
Classification: Uncertain significance for Hereditary cancer-predisposing syndrome. Last evaluated: 2021-12-22. Review status: criteria provided, single submitter. Criteria: Sema4 Curation Guidelines. Collection method: curation. Allele origin: germline.
Comment: The ATM c.6248G>C (p.G2083A) variant has not been reported in the literature to our knowledge. It has been reported in 1 case and not in controls in a large dataset of 60,466 women with breast cancer and 53,461controls (PMID: 33471991). It was not observed in the large and broad cohorts of the Genome Aggregation Database (PMID: 32461654). This variant has been reported in ClinVar (Variation ID 826265). Functional studies have not been performed, and in silico predictions of the variant's effect on protein function are inconclusive. The evidence is insufficient to meet ACMG/AMP criteria for classifying the variant as benign or pathogenic. Thus, the clinical significance of this variant is currently uncertain.

Athena Diagnostics
Classification: Uncertain significance. Last evaluated: 2021-05-07. Review status: criteria provided, single submitter. Criteria: Athena Diagnostics criteria. Collection method: clinical testing. Allele origin: unknown.

Literature cited by the submitters: PubMed 28779002 (cited by 3 submitters); PubMed 33471991 (cited by Ambry Genetics and Sema4).